The following is an entry in ClinVar:

NM_152564.5(VPS13B):c.11302G>C (p.Gly3768Arg)

Gene: VPS13B (vacuolar protein sorting 13 homolog B; plus strand). Cytogenetic location: 8q22.2.
Variant type: single nucleotide variant.
Coding change: c.11302G>C on transcript NM_152564.5 (MANE Select); coding-DNA position 11302, G replaced by C.
Protein change: p.Gly3768Arg; replaces glycine 3768 with arginine.
Molecular consequence: missense variant.
Genome position (GRCh38, 1-based): chr8:99,868,375, G>C. VCF-style: chr8-99868375-G-C. GRCh37 (hg19) VCF-style: chr8-100880603-G-C.
Other names: c.11377G>C, p.Gly3793Arg (NM_017890.5); c.11377G>C (NM_017890.3); short protein forms G3768R, G3793R.
Identifiers: ClinVar variation 1986767 (VCV001986767.2), dbSNP rs760922656, ClinGen allele CA4825204.

ClinVar aggregate classification (germline): Uncertain significance. Review status: criteria provided, multiple submitters, no conflicts (2 of 4 stars). 2 submissions from 2 submitters: Uncertain significance (2). Last evaluated 2024-02-21.

Conditions:
Inborn genetic diseases. Identifiers: MedGen C0950123, MeSH D030342.
Cohen syndrome (COH1). Also called: PEPPER SYNDROME; Cutis verticis gyrata, retinitis pigmentosa, and sensorineural deafness. Identifiers: Orphanet 193, MedGen C0265223, MONDO:0008999, OMIM 216550.

Allele frequency attached by ClinVar (database versions not stated): gnomAD exomes below 0.00001; ExAC 0.00001; gnomAD 0.00001.
gnomAD v4.1: 8 of 1,614,048 alleles (0.0005%); highest among the groups gnomAD compares: East Asian, 0.016%; no homozygotes.

Submissions (2):

Ambry Genetics
Classification: Uncertain significance for Inborn genetic diseases. Last evaluated: 2024-02-21. Review status: criteria provided, single submitter. Criteria: Ambry Variant Classification Scheme 2023. Collection method: clinical testing. Allele origin: germline.

Labcorp Genetics (formerly Invitae), Labcorp
Classification: Uncertain significance for Cohen syndrome. Last evaluated: 2022-10-26. Review status: criteria provided, single submitter. Criteria: Invitae Variant Classification Sherloc (09022015). Collection method: clinical testing. Allele origin: germline.
Comment: This sequence change replaces glycine, which is neutral and non-polar, with arginine, which is basic and polar, at codon 3793 of the VPS13B protein (p.Gly3793Arg). This variant is present in population databases (rs760922656, gnomAD 0.03%). This variant has not been reported in the literature in individuals affected with VPS13B-related conditions. Advanced modeling of protein sequence and biophysical properties (such as structural, functional, and spatial information, amino acid conservation, physicochemical variation, residue mobility, and thermodynamic stability) performed at Invitae indicates that this missense variant is expected to disrupt VPS13B protein function. In summary, the available evidence is currently insufficient to determine the role of this variant in disease. Therefore, it has been classified as a Variant of Uncertain Significance.